The following is an entry in ClinVar:

NM_001267550.2(TTN):c.100116C>T (p.Phe33372=)

Genes: TTN (titin; minus strand), TTN-AS1 (TTN antisense RNA 1; plus strand), LOC126806420 (BRD4-independent group 4 enhancer GRCh37_chr2:179401104-179402303; plus strand). Cytogenetic location: 2q31.2.
Variant type: single nucleotide variant.
Coding change: c.100116C>T on transcript NM_001267550.2 (MANE Select); coding-DNA position 100116, C replaced by T.
Protein change: p.Phe33372=; no amino-acid change (phenylalanine 33372 retained).
Molecular consequence: synonymous variant.
Genome position (GRCh38, 1-based): chr2:178,536,993, G>A on the plus strand (C>T on the coding strand, the complement: TTN is on the minus strand). VCF-style: chr2-178536993-G-A. GRCh37 (hg19) VCF-style: chr2-179401720-G-A.
Other names: c.95193C>T, p.Phe31731= (NM_001256850.1); c.72921C>T, p.Phe24307= (NM_003319.4); c.92412C>T, p.Phe30804= (NM_133378.4); c.73296C>T, p.Phe24432= (NM_133432.3); c.73497C>T, p.Phe24499= (NM_133437.4).
Identifiers: ClinVar variation 283290 (VCV000283290.18), dbSNP rs770089807, ClinGen allele CA1986079.

ClinVar aggregate classification (germline): Conflicting classifications of pathogenicity. Review status: criteria provided, conflicting classifications (1 of 4 stars). 6 submissions from 6 submitters: Uncertain significance (1); Likely benign (5). Last evaluated 2026-01-21.

Conditions:
Dilated cardiomyopathy 1G (CMD1G). Identifiers: Orphanet 154, MedGen C1858763, MONDO:0011400, OMIM 604145.
Autosomal recessive limb-girdle muscular dystrophy type 2J (LGMDR10). Also called: Limb-girdle muscular dystrophy, type 2J; MUSCULAR DYSTROPHY, LIMB-GIRDLE, AUTOSOMAL RECESSIVE 10. Identifiers: Orphanet 140922, MedGen C1837342, MONDO:0012127, OMIM 608807.
TTN-related disorder. Also called: TTN-related condition; TTN-related disease; TTN-related disorders.
Cardiovascular phenotype. Identifiers: MedGen CN230736.

Allele frequency attached by ClinVar (database versions not stated): gnomAD exomes 0.00003; ExAC 0.00005.
gnomAD v4.1: 19 of 1,613,256 alleles (0.0012%); highest among the groups gnomAD compares: Admixed American, 0.005%; no homozygotes.

Submissions (6):

PreventionGenetics, part of Exact Sciences
Classification: Likely benign for TTN-related condition. Last evaluated: 2026-01-21. Review status: criteria provided, single submitter. Criteria: ACMG Guidelines, 2015. Collection method: clinical testing. Allele origin: germline.
Comment: This variant is classified as likely benign based on ACMG/AMP sequence variant interpretation guidelines (Richards et al. 2015 PMID: 25741868, with internal and published modifications).

Blueprint Genetics
Classification: Likely benign. Last evaluated: 2024-10-07. Review status: criteria provided, single submitter. Criteria: ACMG Guidelines, 2015. Collection method: clinical testing. Allele origin: germline.

Labcorp Genetics (formerly Invitae), Labcorp
Classification: Likely benign for Dilated cardiomyopathy 1G; Autosomal recessive limb-girdle muscular dystrophy type 2J. Last evaluated: 2024-04-22. Review status: criteria provided, single submitter. Criteria: Invitae Variant Classification Sherloc (09022015). Collection method: clinical testing. Allele origin: germline.

Ambry Genetics
Classification: Likely benign for Cardiovascular phenotype. Last evaluated: 2019-10-20. Review status: criteria provided, single submitter. Criteria: Ambry Variant Classification Scheme 2023. Collection method: clinical testing. Allele origin: germline.

GeneDx
Classification: Likely benign. Last evaluated: 2018-01-15. Review status: criteria provided, single submitter. Criteria: GeneDx Variant Classification (06012015). Collection method: clinical testing. Allele origin: germline. Affected: yes.
Comment: This variant is considered likely benign or benign based on one or more of the following criteria: it is a conservative change, it occurs at a poorly conserved position in the protein, it is predicted to be benign by multiple in silico algorithms, and/or has population frequency not consistent with disease.

Eurofins Ntd Llc (ga)
Classification: Uncertain significance. Last evaluated: 2015-09-10. Review status: criteria provided, single submitter. Criteria: EGL Classification Definitions 2015. Collection method: clinical testing. Allele origin: germline. Observed: 1 variant allele, 1 heterozygote.